The following is an entry in ClinVar:

ClinVar aggregate classification (germline): Uncertain significance. Review status: criteria provided, multiple submitters, no conflicts (2 of 4 stars). 2 submissions from 2 submitters: Uncertain significance (2). Last evaluated 2024-12-07.

Conditions:
Inborn genetic diseases. Identifiers: MedGen C0950123, MeSH D030342.

Allele frequency attached by ClinVar (database versions not stated): gnomAD exomes 0.00010.
gnomAD v4.1: 177 of 1,579,316 alleles (0.011%); highest among the groups gnomAD compares: African/African-American, 0.054%; 1 homozygote.

Submissions (2):

Ambry Genetics
Classification: Uncertain significance for Inborn genetic diseases. Last evaluated: 2024-12-07. Review status: criteria provided, single submitter. Criteria: Ambry Variant Classification Scheme 2023. Collection method: clinical testing. Allele origin: germline.

Labcorp Genetics (formerly Invitae), Labcorp
Classification: Uncertain significance. Last evaluated: 2022-11-26. Review status: criteria provided, single submitter. Criteria: Invitae Variant Classification Sherloc (09022015). Collection method: clinical testing. Allele origin: germline.
Comment: In summary, the available evidence is currently insufficient to determine the role of this variant in disease. Therefore, it has been classified as a Variant of Uncertain Significance. Algorithms developed to predict the effect of missense changes on protein structure and function output the following: SIFT: "Tolerated"; PolyPhen-2: "Benign"; Align-GVGD: "Class C0". The threonine amino acid residue is found in multiple mammalian species, which suggests that this missense change does not adversely affect protein function. This variant has not been reported in the literature in individuals affected with HR-related conditions. This variant is present in population databases (rs199807649, gnomAD 0.06%). This sequence change replaces alanine, which is neutral and non-polar, with threonine, which is neutral and polar, at codon 511 of the HR protein (p.Ala511Thr).

NM_005144.5(HR):c.1531G>A (p.Ala511Thr)

Gene: HR (HR lysine demethylase and nuclear receptor corepressor; minus strand). Cytogenetic location: 8p21.3.
Variant type: single nucleotide variant.
Coding change: c.1531G>A on transcript NM_005144.5 (MANE Select); coding-DNA position 1531, G replaced by A.
Protein change: p.Ala511Thr; replaces alanine 511 with threonine.
Molecular consequence: missense variant.
Genome position (GRCh38, 1-based): chr8:22,125,607, C>T on the plus strand (G>A on the coding strand, the complement: HR is on the minus strand). VCF-style: chr8-22125607-C-T. GRCh37 (hg19) VCF-style: chr8-21983120-C-T.
Other names: c.1531G>A (NM_005144.4); c.1531G>A, p.Ala511Thr (NM_018411.4); short protein forms A511T.
Identifiers: ClinVar variation 2070154 (VCV002070154.5), dbSNP rs199807649, ClinGen allele CA4662439.